The following is an entry in ClinVar:

NM_001009944.3(PKD1):c.12473dup (p.Met4158fs)

Gene: PKD1 (polycystin 1, transient receptor potential channel interacting; minus strand). Cytogenetic location: 16p13.3.
Variant type: Duplication.
Coding change: c.12473dup on transcript NM_001009944.3 (MANE Select); coding-DNA position 12473, one base duplicated (T; older notation c.12473dupT).
Protein change: p.Met4158fs; shifts the reading frame from methionine 4158.
Molecular consequence: frameshift variant.
Genome position (GRCh38, 1-based): chr16:2,090,166, A duplicated on the plus strand (T on the coding strand, the reverse complement: PKD1 is on the minus strand). VCF-style (leftmost placement, unchanged base first): chr16-2090165-C-CA. GRCh37 (hg19) VCF-style: chr16-2140166-C-CA.
Other names: c.12473dupT (NM_001009944.2); c.12470dup, p.Met4157fs (NM_000296.4); short protein forms M4158fs, M4157fs.
Identifiers: ClinVar variation 4996107 (VCV004996107.1).

ClinVar aggregate classification (germline): Pathogenic (1 of 4 stars; one submission).

Conditions:
PKD1-related disorder. Also called: PKD1-related condition.

Submission:

PreventionGenetics, part of Exact Sciences
Classification: Pathogenic for PKD1-related condition. Last evaluated: 2026-02-04. Review status: criteria provided, single submitter. Criteria: ACMG Guidelines, 2015. Collection method: clinical testing. Allele origin: germline.
Comment: The PKD1 c.12473dupT variant is predicted to result in a frameshift and premature protein termination (p.Met4158Ilefs*52). To our knowledge, this variant has not been reported in the literature or in a large population database (gnomAD), indicating this variant is rare. Frameshift variants in PKD1 are expected to be pathogenic. Even though this variant is located in the last exon of this gene, many truncating variants downstream (more 3') of this variant have been reported to be causative for autosomal dominant polycystic kidney disease (ADPKD) (see for example, p.Gln4216* reported as p.Gln4216X in Supp. Table S4 of Audrézet et al. 2012. PubMed ID: 22508176; p.Gln4241* reported as p.Gln4241Stop in Hoefele et al. 2010. PubMed ID: 21115670; p.Gln4247* in Mallawaarachchi et al. 2016. PubMed ID: 27165007). This variant is interpreted as pathogenic.